The following is an entry in ClinVar:

NM_005236.3(ERCC4):c.1504G>A (p.Glu502Lys)

Gene: ERCC4 (ERCC excision repair 4, endonuclease catalytic subunit; plus strand). Cytogenetic location: 16p13.12.
Variant type: single nucleotide variant.
Coding change: c.1504G>A on transcript NM_005236.3 (MANE Select); coding-DNA position 1504, G replaced by A.
Protein change: p.Glu502Lys; replaces glutamic acid 502 with lysine.
Molecular consequence: missense variant.
Genome position (GRCh38, 1-based): chr16:13,935,436, G>A. VCF-style: chr16-13935436-G-A. GRCh37 (hg19) VCF-style: chr16-14029293-G-A.
Other names: short protein forms E502K.
Identifiers: ClinVar variation 4783809 (VCV004783809.1).

ClinVar aggregate classification (germline): Uncertain significance (1 of 4 stars; one submission).

Conditions:
Xeroderma pigmentosum, group F (XPF). Also called: ERCC4-Related Xeroderma Pigmentosum; XERODERMA PIGMENTOSUM, COMPLEMENTATION GROUP F; XERODERMA PIGMENTOSUM, TYPE F; Xeroderma pigmentosum, type 6; XERODERMA PIGMENTOSUM VI; XP, GROUP F. Identifiers: MedGen C0268140, MONDO:0010215, OMIM 278760.
Cockayne syndrome. Identifiers: Orphanet 191, MedGen C0009207, MONDO:0016006.
Fanconi anemia complementation group Q. Identifiers: Orphanet 84, MedGen C3808988, MONDO:0014108, OMIM 615272.

gnomAD v4.1: 1 of 1,614,036 alleles (0.000062%); highest among the groups gnomAD compares: Non-Finnish European, 0.000085%; no homozygotes.

Submission:

Labcorp Genetics (formerly Invitae), Labcorp
Classification: Uncertain significance for Fanconi anemia complementation group Q; Xeroderma pigmentosum, group F; Cockayne syndrome. Last evaluated: 2025-05-18. Review status: criteria provided, single submitter. Criteria: Invitae Variant Classification Sherloc (09022015). Collection method: clinical testing. Allele origin: germline.
Comment: This sequence change replaces glutamic acid, which is acidic and polar, with lysine, which is basic and polar, at codon 502 of the ERCC4 protein (p.Glu502Lys). This variant is not present in population databases (gnomAD no frequency). This missense change has been observed in individual(s) with xeroderma pigmentosum (PMID: 9580660). This variant is also known as 1471G>A (Glu491Lys). Invitae Evidence Modeling of protein sequence and biophysical properties (such as structural, functional, and spatial information, amino acid conservation, physicochemical variation, residue mobility, and thermodynamic stability) indicates that this missense variant is not expected to disrupt ERCC4 protein function with a negative predictive value of 80%. In summary, the available evidence is currently insufficient to determine the role of this variant in disease. Therefore, it has been classified as a Variant of Uncertain Significance.

Literature cited by the submitters: PubMed 9580660.